The following is an entry in ClinVar:

NM_014231.5(VAMP1):c.51_64del (p.Gly18fs)

Genes: TAPBPL (TAP binding protein like; plus strand), VAMP1 (vesicle associated membrane protein 1; minus strand). Cytogenetic location: 12p13.31.
Variant type: Deletion.
Coding change: c.51_64del on transcript NM_014231.5 (MANE Select); coding-DNA positions 51 to 64, 14 bases deleted (AGGTGGGGGTCCCC).
Protein change: p.Gly18fs; shifts the reading frame from glycine 18.
Molecular consequence: frameshift variant.
Genome position (GRCh38, 1-based): chr12:6,466,290-6,466,303, GGGGACCCCCACCT deleted on the plus strand (AGGTGGGGGTCCCC on the coding strand, the reverse complement: VAMP1 is on the minus strand); deleting any 14 consecutive bases within chr12:6,466,290-6,466,307 gives the same sequence; the c. name uses the placement nearest the transcript's 3' end. VCF-style (leftmost placement, unchanged base first): chr12-6466289-GGGGGACCCCCACCT-G. GRCh37 (hg19) VCF-style: chr12-6575455-GGGGGACCCCCACCT-G.
Other names: c.51_64del, p.Gly18fs (NM_001297438.2, NM_016830.4, NM_199245.3); short protein forms G18fs.
Identifiers: ClinVar variation 619002 (VCV000619002.4), dbSNP rs1565527239, ClinGen allele CA913190310.

ClinVar aggregate classification (germline): Pathogenic. Review status: criteria provided, single submitter (1 of 4 stars). 2 submissions from 2 submitters: Pathogenic (1). 1 of the submissions does not count toward it. Last evaluated 2025-06-04.

Conditions:
Myasthenic syndrome, congenital, 25, presynaptic. Also called: Myasthenic syndrome, congenital, 25. Identifiers: MedGen C5193027, MONDO:0032675, OMIM 618323.

Submissions (2):

3billion
Classification: Pathogenic for Myasthenic syndrome, congenital, 25, presynaptic. Last evaluated: 2025-06-04. Review status: criteria provided, single submitter. Criteria: ACMG Guidelines, 2015. Collection method: clinical testing. Allele origin: germline. Affected: yes.
Comment: The variant is not observed in the gnomAD v4.1.0 dataset. Predicted Consequence/Location: Frameshift: predicted to result in a loss or disruption of normal protein function through nonsense-mediated decay (NMD) or protein truncation. Multiple pathogenic variants are reported downstream of the variant. Functional studies provide moderate evidence of the variant having a damaging effect on the gene or gene product (PMID: 28253535). The variant has been reported to be associated with VAMP1-related disorder (ClinVar ID: VCV000619002 /PMID: 28253535). Therefore, this variant is classified as Pathogenic according to the recommendation of ACMG/AMP guideline.

OMIM
Classification: Pathogenic for MYASTHENIC SYNDROME, CONGENITAL, 25, PRESYNAPTIC. Last evaluated: 2019-04-09. Review status: no assertion criteria provided. Collection method: literature only. Allele origin: germline. Not counted in ClinVar's aggregate classification.

Literature cited by the submitters: PubMed 28253535 (cited by 3billion and OMIM).